The following is an entry in ClinVar:

NM_019597.5(HNRNPH2):c.1189A>G (p.Met397Val)

Genes: HNRNPH2 (heterogeneous nuclear ribonucleoprotein H2; plus strand), RPL36A-HNRNPH2 (RPL36A-HNRNPH2 readthrough; plus strand). Cytogenetic location: Xq22.1.
Variant type: single nucleotide variant.
Coding change: c.1189A>G on transcript NM_019597.5 (MANE Select); coding-DNA position 1189, A replaced by G.
Protein change: p.Met397Val; replaces methionine 397 with valine.
Molecular consequence: missense variant. On other transcripts: 3 prime UTR variant (2).
Genome position (GRCh38, 1-based): chrX:101,413,177, A>G. VCF-style: chrX-101413177-A-G. GRCh37 (hg19) VCF-style: chrX-100668165-A-G.
Other names: c.*1185A>G (NM_001199973.2, NM_001199974.2); c.1189A>G, p.Met397Val (NM_001032393.3); short protein forms M397V.
Identifiers: ClinVar variation 3359307 (VCV003359307.1).

ClinVar aggregate classification (germline): Uncertain significance (1 of 4 stars; one submission).

Submission:

GeneDx
Classification: Uncertain significance. Last evaluated: 2023-06-05. Review status: criteria provided, single submitter. Criteria: GeneDx Variant Classification Process June 2021. Collection method: clinical testing. Allele origin: germline. Affected: yes.
Comment: Not observed at significant frequency in large population cohorts (gnomAD); In silico analysis supports that this missense variant does not alter protein structure/function; Has not been previously published as pathogenic or benign to our knowledge